The following is an entry in ClinVar:

ClinVar aggregate classification (germline): Likely pathogenic (0 of 4 stars; one submission).

Conditions:
CTNND1-related disorder. Also called: CTNND1-related condition.

Submission:

PreventionGenetics, part of Exact Sciences
Classification: Likely pathogenic for CTNND1-related condition. Last evaluated: 2024-03-19. Review status: no assertion criteria provided. Collection method: clinical testing. Allele origin: germline.
Comment: The CTNND1 c.2452G>T variant is predicted to result in premature protein termination (p.Glu818*). To our knowledge, this variant has not been reported in the literature or in a large population database, indicating this variant is rare. Nonsense variants in CTNND1 are expected to be pathogenic. This variant is interpreted as likely pathogenic.

NM_001085458.2(CTNND1):c.2452G>T (p.Glu818Ter)

Genes: CTNND1 (catenin delta 1; plus strand), TMX2-CTNND1 (TMX2-CTNND1 readthrough (NMD candidate); plus strand). Cytogenetic location: 11q12.1.
Variant type: single nucleotide variant.
Coding change: c.2452G>T on transcript NM_001085458.2 (MANE Select); coding-DNA position 2452, G replaced by T.
Protein change: p.Glu818Ter; replaces glutamic acid 818 with a stop codon.
Molecular consequence: nonsense. On other transcripts: non-coding transcript variant (1).
Genome position (GRCh38, 1-based): chr11:57,810,125, G>T. VCF-style: chr11-57810125-G-T. GRCh37 (hg19) VCF-style: chr11-57577597-G-T.
Other names: c.2434G>T, p.Glu812Ter (NM_001085459.2, NM_001085460.2, NM_001085461.2 and 2 more transcripts); c.2149G>T, p.Glu717Ter (NM_001085463.2, NM_001085466.2); c.2131G>T, p.Glu711Ter (NM_001085464.2, NM_001085465.2, NM_001085467.2 and 3 more transcripts); c.2290G>T, p.Glu764Ter (NM_001206883.2, NM_001206884.2); c.2452G>T, p.Glu818Ter (NM_001206885.2); c.2272G>T, p.Glu758Ter (NM_001206886.2, NM_001206887.2, NM_001206888.2 and 2 more transcripts); short protein forms E711*, E717*, E758*, E764*, E812*, E818*.
Identifiers: ClinVar variation 3348814 (VCV003348814.1).